The following is an entry in ClinVar:

NM_000138.5(FBN1):c.6385G>T (p.Asp2129Tyr)

Gene: FBN1 (fibrillin 1; minus strand). Cytogenetic location: 15q21.1.
Variant type: single nucleotide variant.
Coding change: c.6385G>T on transcript NM_000138.5 (MANE Select); coding-DNA position 6385, G replaced by T.
Protein change: p.Asp2129Tyr; replaces aspartic acid 2129 with tyrosine.
Molecular consequence: missense variant.
Genome position (GRCh38, 1-based): chr15:48,437,072, C>A on the plus strand (G>T on the coding strand, the complement: FBN1 is on the minus strand). VCF-style: chr15-48437072-C-A. GRCh37 (hg19) VCF-style: chr15-48729269-C-A.
Other names: short protein forms D2129Y.
Identifiers: ClinVar variation 36100 (VCV000036100.3), dbSNP rs193922223, ClinGen allele CA016393.
Genomic context (GRCh38, chr15:48,437,072, plus strand): 5'-AGGAACCATCTGTATTGATGCACTGTCCATGTTTACAGACATCGGGTTCTTTGCATTCGT[C>A]CATATCTTAAGCAAGAGAAAAAAAATAGTGAATAACAAGGTATTTTTTAAACGTGAAGAT-3'
Protein context (NP_000129.3, residues 2119-2139): VGPDDSAVDM[Asp2129Tyr]ECKEPDVCKH

ClinVar aggregate classification (germline): Likely pathogenic (1 of 4 stars; one submission).

Conditions:
Marfan syndrome (MFS). Also called: FBN1-Related Marfan Syndrome; Marfan syndrome type 1; Marfan's syndrome; Marfan syndrome, classic; MARFAN SYNDROME, TYPE I. Identifiers: Orphanet 284963, Orphanet 558, MedGen C0024796, MONDO:0007947, OMIM 154700.

Submission:

Women's Health and Genetics/Laboratory Corporation of America, LabCorp
Classification: Likely pathogenic for Marfan Syndrome. Last evaluated: 2011-08-18. Review status: criteria provided, single submitter. Criteria: LabCorp Variant Classification Summary - May 2015. Collection method: curation, clinical testing. Allele origin: germline. Inheritance: autosomal unknown. Affected: yes.
ClinVar note: Converted during submission from likely pathogenic to Likely pathogenic.